The following is an entry in ClinVar:

ClinVar aggregate classification (germline): drug response. Review status: reviewed by expert panel (3 of 4 stars). 9 submissions from 8 submitters: drug response (2). 7 of the submissions do not count toward it. Last evaluated 2021-03-24.

Conditions:
DPYD-related disorder. Also called: DPYD-related condition.
fluorouracil response - Other.
fluorouracil response - Toxicity.
Dihydropyrimidine dehydrogenase deficiency (DPYDD). Also called: DPD DEFICIENCY; DPYD DEFICIENCY; Hereditary Thymine-Uraciluria. Identifiers: Orphanet 1675, MedGen C1959620, MONDO:0010130, OMIM 274270.

Allele frequency attached by ClinVar (database versions not stated): gnomAD exomes 0.00055 and 0.00166; ExAC 0.00234; gnomAD 0.00585 and 0.00622; 1000 Genomes Project 0.00639; 1000 Genomes Project 30x 0.00703; TOPMed 0.00708; ESP Exome Variant Server 0.00753.
gnomAD v4.1: 1,737 of 1,613,632 alleles (0.11%); highest among the groups gnomAD compares: African/African-American, 2.1%; 22 homozygotes.

Submissions (9):

ClinPGx
Classification: drug response for fluorouracil response - Toxicity. Last evaluated: 2021-03-24. Review status: reviewed by expert panel. Criteria: Pharmacogenomics knowledge for personalized medicine. Collection method: curation. Allele origin: germline. Affected: yes.
Comment: PharmGKB Level of Evidence 1A: Level 1A clinical annotations describe variant-drug combinations that have variant-specific prescribing guidance available in a current clinical guideline annotation or an FDA-approved drug label annotation. Annotations of drug labels or clinical guidelines must give prescribing guidance for specific variants (e.g. CYP2C9*3, HLA-B*57:01) or provide mapping from defined allele functions to diplotypes and phenotypes to be used as supporting evidence for a level 1A clinical annotation. Level 1A clinical annotations must also be supported by at least one publication in addition to a clinical guideline or drug label with variant-specific prescribing guidance.

Drug is not necessarily used to treat response condition

ClinPGx
Classification: drug response for fluorouracil response - Other. Last evaluated: 2021-03-24. Review status: reviewed by expert panel. Criteria: Pharmacogenomics knowledge for personalized medicine. Collection method: curation. Allele origin: germline. Affected: yes.
Comment: PharmGKB Level of Evidence 1A: Level 1A clinical annotations describe variant-drug combinations that have variant-specific prescribing guidance available in a current clinical guideline annotation or an FDA-approved drug label annotation. Annotations of drug labels or clinical guidelines must give prescribing guidance for specific variants (e.g. CYP2C9*3, HLA-B*57:01) or provide mapping from defined allele functions to diplotypes and phenotypes to be used as supporting evidence for a level 1A clinical annotation. Level 1A clinical annotations must also be supported by at least one publication in addition to a clinical guideline or drug label with variant-specific prescribing guidance.

CeGaT Center for Human Genetics Tuebingen
Classification: Benign. Last evaluated: 2024-07-01. Review status: criteria provided, single submitter. Criteria: CeGaT Center For Human Genetics Tuebingen Variant Classification Criteria Version 2. Collection method: clinical testing. Allele origin: germline. Affected: yes. Observed: 1 variant allele. Not counted in ClinVar's aggregate classification.
Comment: DPYD: BS1, BS2

Women's Health and Genetics/Laboratory Corporation of America, LabCorp
Classification: Likely benign. Last evaluated: 2022-03-16. Review status: criteria provided, single submitter. Criteria: LabCorp Variant Classification Summary - May 2015. Collection method: clinical testing. Allele origin: germline. Not counted in ClinVar's aggregate classification.
Comment: Variant summary: DPYD c.557A>G (p.Tyr186Cys) results in a non-conservative amino acid change in the encoded protein sequence. Five of five in-silico tools predict a damaging effect of the variant on protein function. The variant allele was found at a frequency of 0.0058 in 150866 control chromosomes, predominantly within the African or African-American subpopulation at a frequency of 0.02 in the gnomAD database (v3.1 genomes dataset), including 12 homozygotes. The observed variant frequency within African or African-American control individuals in the gnomAD database is approximately 8-fold of the estimated maximal expected allele frequency for a pathogenic variant in DPYD causing Dihydropyrimidine Dehydrogenase Deficiency phenotype (0.0025), strongly suggesting that the variant is a benign polymorphism found primarily in populations of African or African-American origin. To our knowledge, c.557A>G has not been reported in homozygous or compound heterozygous individuals affected with Dihydropyrimidine Dehydrogenase Deficiency. On the other hand, c.557A>G has been reported in the literature in heterozygous individuals affected with acute 5-fluorouracil (5-FU) toxicity following chemotherapy treatment with 5-FU (e.g. Zaanan_2013, Saif_2014, Leung_2021). Publications reported experimental evidence evaluating an impact on protein function, and demonstrated that carriers of the Y186C variant have approximately 54% enzymatic activity in circulating mononuclear cells compared to non-carriers (Offer_2013), while in vitro assays using transfected cells showed that the variant protein had about 70-85% enzymatic activity compared to wild type (Offer_2013b, Offer_2014). Several Pharmacogenetics groups, including the Clinical Pharmacogenetics Implementation Consortium (CPIC) and the Swiss Group of Pharmacogenomics and Personalised Therapy mentions this variant as relatively common in individuals of African ancestry and to be associated with reduced DPYD activity; these guidelines recommend DPYD genotyping prior to the start of therapy with fluoropyrimidines, followed by a reduction of the initial standard dose in genotyped-positive patients in order to decrease the risk of fluoropyrimidine-induced toxicity (Caudle_2013, Amstutz_2018, Hamzic_2020). Three clinical diagnostic laboratories have submitted clinical-significance assessments for this variant to ClinVar after 2014, and classified the variant likely benign (n=2), or VUS (n=1). In addition, in ClinVar this variant is reviewed by the PharmGKB expert panel for drug response, and has a decreased function assigned according to the CPIC. Based on the evidence outlined above, this hypomorphic DPYD variant may be a significant contributor to severe 5-FU toxicity when present in heterozygous state, however it is unlikely to result in symptomatic Dihydropyrimidine Dehydrogenase Deficiency when found in homozygous state, therefore it was classified as likely benign.

Mendelics
Classification: Likely benign for Dihydropyrimidine dehydrogenase deficiency. Last evaluated: 2019-05-28. Review status: criteria provided, single submitter. Criteria: Mendelics Assertion Criteria 2017. Collection method: clinical testing. Allele origin: unknown. Not counted in ClinVar's aggregate classification.

Illumina Laboratory Services, Illumina
Classification: Uncertain significance for Dihydropyrimidine dehydrogenase deficiency. Last evaluated: 2017-04-27. Review status: criteria provided, single submitter. Criteria: ICSL Variant Classification Criteria 13 December 2019. Collection method: clinical testing. Allele origin: germline. Not counted in ClinVar's aggregate classification.
Comment: This variant was observed as part of a predisposition screen in an ostensibly healthy population. A literature search was performed for the gene, cDNA change, and amino acid change (where applicable). Publications were found based on this search. However, the evidence from the literature, in combination with allele frequency data from public databases where available, was not sufficient to rule this variant in or out of causing disease. Therefore, this variant is classified as a variant of unknown significance.

PreventionGenetics, part of Exact Sciences
Classification: Likely benign for DPYD-related condition. Last evaluated: 2021-07-02. Review status: no assertion criteria provided. Collection method: clinical testing. Allele origin: germline. Not counted in ClinVar's aggregate classification.
Comment: This variant is classified as likely benign based on ACMG/AMP sequence variant interpretation guidelines (Richards et al. 2015 PMID: 25741868, with internal and published modifications).

Counsyl
Classification: Likely benign for Dihydropyrimidine dehydrogenase deficiency. Last evaluated: 2017-12-15. Review status: no assertion criteria provided. Collection method: clinical testing. Allele origin: unknown. Not counted in ClinVar's aggregate classification.

Diasio Lab,  Mayo Clinic
No classification provided. Review status: no classification provided. Collection method: not provided. Allele origin: unknown. Not counted in ClinVar's aggregate classification.

Literature cited by the submitters: PubMed 24037119 (cited by 3 submitters); PubMed 24388031 (cited by 3 submitters); PubMed 16361556 (cited by 3 submitters); PubMed 23588312 (cited by 3 submitters); PubMed 24107927 (cited by ClinPGx and Women's Health and Genetics/Laboratory Corporation of America, LabCorp); PubMed 24648345 (cited by 3 submitters); PubMed 23988873 (cited by Women's Health and Genetics/Laboratory Corporation of America, LabCorp); PubMed 32899374 (cited by Women's Health and Genetics/Laboratory Corporation of America, LabCorp); PubMed 29152729 (cited by Women's Health and Genetics/Laboratory Corporation of America, LabCorp); PubMed 33232506 (cited by Women's Health and Genetics/Laboratory Corporation of America, LabCorp); PubMed 32595208 (cited by Women's Health and Genetics/Laboratory Corporation of America, LabCorp); PubMed 33965356 (cited by Women's Health and Genetics/Laboratory Corporation of America, LabCorp); PubMed 34916829 (cited by Women's Health and Genetics/Laboratory Corporation of America, LabCorp).

NM_000110.4(DPYD):c.557A>G (p.Tyr186Cys)

Gene: DPYD (dihydropyrimidine dehydrogenase; minus strand). Cytogenetic location: 1p21.3.
Variant type: single nucleotide variant.
Coding change: c.557A>G on transcript NM_000110.4 (MANE Select); coding-DNA position 557, A replaced by G.
Protein change: p.Tyr186Cys; replaces tyrosine 186 with cysteine.
Molecular consequence: missense variant.
Genome position (GRCh38, 1-based): chr1:97,699,474, T>C on the plus strand (A>G on the coding strand, the complement: DPYD is on the minus strand). VCF-style: chr1-97699474-T-C. GRCh37 (hg19) VCF-style: chr1-98165030-T-C.
Other names: short protein forms Y186C.
Identifiers: ClinVar variation 100113 (VCV000100113.31), dbSNP rs115232898, ClinGen allele CA228159.